The following is an entry in ClinVar:

ClinVar aggregate classification (germline): Pathogenic/Likely pathogenic. Review status: criteria provided, multiple submitters, no conflicts (2 of 4 stars). 8 submissions from 8 submitters: Pathogenic (7); Likely pathogenic (1). Last evaluated 2025-05-05.

Conditions:
Hereditary cancer-predisposing syndrome. Also called: Hereditary Cancer Syndrome; Tumor predisposition; Hereditary neoplastic syndrome; Neoplastic Syndromes, Hereditary. Identifiers: Orphanet 140162, MedGen C0027672, MeSH D009386, MONDO:0015356.
Multiple endocrine neoplasia, type 1 (MEN1). Also called: MEA I; MEN I; WERMER SYNDROME; Endocrine adenomatosis multiple; MEN 1. Identifiers: Orphanet 652, MedGen C0025267, MeSH D018761, MONDO:0007540, OMIM 131100.

Submissions (8):

Labcorp Genetics (formerly Invitae), Labcorp
Classification: Pathogenic for Multiple endocrine neoplasia, type 1. Last evaluated: 2025-05-05. Review status: criteria provided, single submitter. Criteria: Invitae Variant Classification Sherloc (09022015). Collection method: clinical testing. Allele origin: germline.
Comment: This sequence change creates a premature translational stop signal (p.Lys517Glufs*14) in the MEN1 gene. While this is not anticipated to result in nonsense mediated decay, it is expected to disrupt the last 94 amino acid(s) of the MEN1 protein. This variant is present in population databases (rs761695866, gnomAD 0.0009%). This premature translational stop signal has been observed in individual(s) with a personal and family history of pancreatic neuroendocrine tumors, pituitary adenomas and hyperparathyroidism (PMID: 15635078, 31249555). Invitae Evidence Modeling of clinical and family history, age, sex, and reported ancestry of multiple individuals with this MEN1 variant has been performed. This variant is expected to be pathogenic with a positive predictive value of at least 99%. This is a validated machine learning model that incorporates the clinical features of 1,366,787 individuals referred to our laboratory for MEN1 testing. This variant is also known as 1548–1549insG. ClinVar contains an entry for this variant (Variation ID: 201002). This variant disrupts a region of the MEN1 protein in which other variant(s) (p.Lys559Glufs*38) have been determined to be pathogenic (PMID: 10090472, 15331604, 16449969; internal data). This suggests that this is a clinically significant region of the protein, and that variants that disrupt it are likely to be disease-causing. For these reasons, this variant has been classified as Pathogenic.

Division of Hepatobiliary and Pancreatic Surgery, Department of Surgery, Yonsei University College of Medicine
Classification: Pathogenic for Multiple endocrine neoplasia, type 1. Last evaluated: 2024-05-01. Review status: criteria provided, single submitter. Criteria: ACMG Guidelines, 2015. Collection method: clinical testing. Allele origin: germline. Affected: yes. Observed: 1 variant allele.

Clinical Genetics Laboratory, Skane University Hospital Lund
Classification: Pathogenic. Last evaluated: 2024-01-02. Review status: criteria provided, single submitter. Criteria: ACMG Guidelines, 2015. Collection method: clinical testing. Allele origin: germline. Affected: yes.

MGZ Medical Genetics Center
Classification: Likely pathogenic for Multiple endocrine neoplasia, type 1. Last evaluated: 2021-09-02. Review status: criteria provided, single submitter. Criteria: ACMG Guidelines, 2015. Collection method: clinical testing. Allele origin: germline. Affected: yes. Observed: 1 variant allele.
Comment: ACMG criteria applied: PVS1, PM2_SUP

Johns Hopkins Genomics, Johns Hopkins University
Classification: Pathogenic for Multiple endocrine neoplasia, type 1. Last evaluated: 2020-01-18. Review status: criteria provided, single submitter. Criteria: ACMG Guidelines, 2015. Collection method: clinical testing. Allele origin: germline.

GeneDx
Classification: Pathogenic. Last evaluated: 2020-01-15. Review status: criteria provided, single submitter. Criteria: GeneDx Variant Classification Process June 2021. Collection method: clinical testing. Allele origin: germline. Affected: yes.
Comment: Frameshift variant predicted to result in protein truncation in a gene for which loss-of-function is a known mechanism of disease; Identified in patients with a personal and/or family history consistent with pathogenic variants in this gene referred for genetic testing at GeneDx and in published literature (Cardinal 2005, Chiloiro 2019); Not observed at a significant frequency in large population cohorts (Lek 2016); This variant is associated with the following publications: (PMID: 31249555, 9893679, 15635078)

Women's Health and Genetics/Laboratory Corporation of America, LabCorp
Classification: Pathogenic for Multiple endocrine neoplasia, type 1. Last evaluated: 2020-01-09. Review status: criteria provided, single submitter. Criteria: LabCorp Variant Classification Summary - May 2015. Collection method: clinical testing. Allele origin: germline.
Comment: Variant summary: MEN1 c.1548dupG (p.Lys517GlufsX14) results in a premature termination codon, predicted to cause a truncation of the encoded protein or absence of the protein due to nonsense mediated decay, which are commonly known mechanisms for disease. Truncations downstream of this position have been classified as pathogenic by our laboratory. The variant allele was found at a frequency of 4.2e-06 in 239266 control chromosomes. c.1548dupG has been reported in the literature in individuals affected with Multiple Endocrine Neoplasia Type 1 (Barsch_1998, Cardinal_2006, Chiloiro_2019). These data indicate that the variant is likely to be associated with disease. To our knowledge, no experimental evidence demonstrating an impact on protein function has been reported. No clinical diagnostic laboratories have submitted clinical-significance assessments for this variant to ClinVar after 2014. Based on the evidence outlined above, the variant was classified as pathogenic.

Ambry Genetics
Classification: Pathogenic for Hereditary cancer-predisposing syndrome. Last evaluated: 2017-02-03. Review status: criteria provided, single submitter. Criteria: Ambry Variant Classification Scheme 2023. Collection method: clinical testing. Allele origin: germline.
Comment: The c.1548dupG pathogenic mutation, located in coding exon 9 of the MEN1 gene, results from a duplication of G at nucleotide position 1548, causing a translational frameshift with a predicted alternate stop codon (p.K517Efs*14). This mutation has been detected in several unrelated families with multiple endocrine neoplasia type 1 (MEN1) (Bartsch D et al. Dtsch. Med. Wochenschr., 1998 Dec;123:1535-40; Cardinal JW et al. J. Med. Genet., 2005 Jan;42:69-74). In addition to the clinical data presented in the literature, this alteration is expected to result in loss of function by premature protein truncation. As such, this alteration is interpreted as a disease-causing mutation.

Literature cited by the submitters: PubMed 15635078 (cited by 3 submitters); PubMed 31249555 (cited by Labcorp Genetics (formerly Invitae), Labcorp and Women's Health and Genetics/Laboratory Corporation of America, LabCorp); PubMed 10090472 (cited by Labcorp Genetics (formerly Invitae), Labcorp); PubMed 15331604 (cited by Labcorp Genetics (formerly Invitae), Labcorp); PubMed 16449969 (cited by Labcorp Genetics (formerly Invitae), Labcorp); PubMed 9215690 (cited by Johns Hopkins Genomics, Johns Hopkins University); PubMed 9893679 (cited by Women's Health and Genetics/Laboratory Corporation of America, LabCorp and Ambry Genetics).

NM_001370259.2(MEN1):c.1548dup (p.Lys517fs)

Gene: MEN1 (menin 1; minus strand). Cytogenetic location: 11q13.1.
Variant type: Duplication.
Coding change: c.1548dup on transcript NM_001370259.2 (MANE Select); coding-DNA position 1548, one base duplicated (G; older notation c.1548dupG).
Protein change: p.Lys517fs; shifts the reading frame from lysine 517.
Molecular consequence: frameshift variant.
Genome position (GRCh38, 1-based): chr11:64,804,619, C duplicated on the plus strand (G on the coding strand, the reverse complement: MEN1 is on the minus strand); the first of 2 consecutive C bases (chr11:64,804,619-64,804,620); duplicating either gives the same sequence. VCF-style (leftmost placement, unchanged base first): chr11-64804618-T-TC. GRCh37 (hg19) VCF-style: chr11-64572090-T-TC.
Other names: c.1563dupG (NM_000244.3); c.1548dupG (NM_130799.2); c.1563dup, p.Lys522fs (NM_000244.4, NM_130800.3, NM_130801.3 and 3 more transcripts); c.1674dup, p.Lys559fs (NM_001370251.2); c.1548dup, p.Lys517fs (NM_001370260.2, NM_001370261.2, NM_130799.3); c.1443dup, p.Lys482fs (NM_001370262.2, NM_001370263.2); c.1548_1549insG (NM_130799.2); short protein forms K517fs, K559fs, K482fs, K522fs.
Identifiers: ClinVar variation 201002 (VCV000201002.20), dbSNP rs761695866, ClinGen allele CA306384.
Genomic context (GRCh38, chr11:64,804,618, plus strand): 5'-CCTGAGCCGTGCTGCCACCTTCAGGGCCTCGGGCTGTGCCAGCGACAGTCCCAGGAGGCT[T>TC]CCGGGGGGGTCCTGACACTGCACCCTGGCCGGTGCCCAGGCCCTTGTCCAGTGCTGGCTT-3'